The following is an entry in ClinVar:

ClinVar aggregate classification (germline): Uncertain significance (1 of 4 stars; one submission).

Allele frequency attached by ClinVar (database versions not stated): gnomAD exomes below 0.00001.
gnomAD v4.1: 1 of 1,613,706 alleles (0.000062%); highest among the groups gnomAD compares: East Asian, 0.0022%; no homozygotes.

Submission:

Labcorp Genetics (formerly Invitae), Labcorp
Classification: Uncertain significance. Last evaluated: 2023-04-15. Review status: criteria provided, single submitter. Criteria: Invitae Variant Classification Sherloc (09022015). Collection method: clinical testing. Allele origin: germline.
Comment: An algorithm developed to predict the effect of missense changes on protein structure and function (PolyPhen-2) suggests that this variant is likely to be disruptive. In summary, the available evidence is currently insufficient to determine the role of this variant in disease. Therefore, it has been classified as a Variant of Uncertain Significance. This variant is not present in population databases (gnomAD no frequency). This sequence change replaces serine, which is neutral and polar, with cysteine, which is neutral and slightly polar, at codon 169 of the WHRN protein (p.Ser169Cys). This variant has not been reported in the literature in individuals affected with WHRN-related conditions. ClinVar contains an entry for this variant (Variation ID: 1008602).

NM_015404.4(WHRN):c.506C>G (p.Ser169Cys)

Gene: WHRN (whirlin; minus strand). Cytogenetic location: 9q32.
Variant type: single nucleotide variant.
Coding change: c.506C>G on transcript NM_015404.4 (MANE Select); coding-DNA position 506, C replaced by G.
Protein change: p.Ser169Cys; replaces serine 169 with cysteine.
Molecular consequence: missense variant.
Genome position (GRCh38, 1-based): chr9:114,504,296, G>C on the plus strand (C>G on the coding strand, the complement: WHRN is on the minus strand). VCF-style: chr9-114504296-G-C. GRCh37 (hg19) VCF-style: chr9-117266576-G-C.
Other names: c.506C>G, p.Ser169Cys (NM_001173425.2); short protein forms S169C.
Identifiers: ClinVar variation 1008602 (VCV001008602.8), dbSNP rs1844196010, ClinGen allele CA374612031.